The following is an entry in ClinVar:

NM_020754.4(ARHGAP31):c.1100C>G (p.Thr367Arg)

Gene: ARHGAP31 (Rho GTPase activating protein 31; plus strand). Cytogenetic location: 3q13.33.
Variant type: single nucleotide variant.
Coding change: c.1100C>G on transcript NM_020754.4 (MANE Select); coding-DNA position 1100, C replaced by G.
Protein change: p.Thr367Arg; replaces threonine 367 with arginine.
Molecular consequence: missense variant.
Genome position (GRCh38, 1-based): chr3:119,401,852, C>G. VCF-style: chr3-119401852-C-G. GRCh37 (hg19) VCF-style: chr3-119120699-C-G.
Other names: short protein forms T367R.
Identifiers: ClinVar variation 2636351 (VCV002636351.3), dbSNP rs2080611054, ClinGen allele CA354036988.

ClinVar aggregate classification (germline): Uncertain significance. Review status: criteria provided, multiple submitters, no conflicts (2 of 4 stars). 2 submissions from 2 submitters: Uncertain significance (2). Last evaluated 2024-03-01.

Conditions:
ARHGAP31-related disorder. Also called: ARHGAP31-related condition.

Submissions (2):

Women's Health and Genetics/Laboratory Corporation of America, LabCorp
Classification: Uncertain significance. Last evaluated: 2024-03-01. Review status: criteria provided, single submitter. Criteria: LabCorp Variant Classification Summary - May 2015. Collection method: clinical testing. Allele origin: germline.
Comment: Variant summary: ARHGAP31 c.1100C>G (p.Thr367Arg) results in a non-conservative amino acid change in the encoded protein sequence. Three of five in-silico tools predict a benign effect of the variant on protein function. The variant was absent in 248668 control chromosomes (gnomAD). The available data on variant occurrences in the general population are insufficient to allow any conclusion about variant significance. To our knowledge, no occurrence of c.1100C>G in individuals affected with Adams-Oliver Syndrome 1 and no experimental evidence demonstrating its impact on protein function have been reported. ClinVar contains an entry for this variant (Variation ID: 2636351). Based on the evidence outlined above, the variant was classified as uncertain significance.

PreventionGenetics, part of Exact Sciences
Classification: Uncertain significance for ARHGAP31-related condition. Last evaluated: 2022-08-23. Review status: criteria provided, single submitter. Criteria: ACMG Guidelines, 2015. Collection method: clinical testing. Allele origin: germline.
Comment: The ARHGAP31 c.1100C>G variant is predicted to result in the amino acid substitution p.Thr367Arg. To our knowledge, this variant has not been reported in the literature or in a large population database, indicating this variant is rare. At this time, the clinical significance of this variant is uncertain due to the absence of conclusive functional and genetic evidence.